The following is an entry in ClinVar:

ClinVar aggregate classification (germline): Uncertain significance (1 of 4 stars; one submission).

Conditions:
Hereditary angioedema type 1 (HAE1). Identifiers: Orphanet 100050, Orphanet 100051, Orphanet 91378, MedGen C2717906, MONDO:0015053, OMIM 106100.

gnomAD v4.1: 1 of 1,613,960 alleles (0.000062%); highest among the groups gnomAD compares: Non-Finnish European, 0.000085%; no homozygotes.

Submission:

Department of Immunology and Histocompatibility, University of Thessaly
Classification: Uncertain significance for Hereditary angioedema type 1. Review status: criteria provided, single submitter. Criteria: ACMG Guidelines, 2015. Collection method: clinical testing. Allele origin: germline. Affected: yes. Observed: 2 variant alleles.
Comment: The c.239C>G (p.Ala80Gly) variant has been previously reported in association with hereditary angioedema in the literature (Speletas et al., 2015, Loules et al., 2018). It was detected by our laboratory in 2 female patients with C1-INH HAE Type I, members of a greek family. The c.239C>G has never been detected in approximately 120000 individuals of the Exome Aggregation Consortium (ExAC), indicating that it is not a common variant. Taking all the above into account and according to ACMG Guidelines (Criteria: PM2, PP1, PP2, PP4) the variant is considered VUS (Variant of Uncertain Significance).

Literature cited by the submitters: PubMed 29753808.

NM_000062.3(SERPING1):c.239C>G (p.Ala80Gly)

Gene: SERPING1 (serpin family G member 1; plus strand). Cytogenetic location: 11q12.1.
Variant type: single nucleotide variant.
Coding change: c.239C>G on transcript NM_000062.3 (MANE Select); coding-DNA position 239, C replaced by G.
Protein change: p.Ala80Gly; replaces alanine 80 with glycine.
Molecular consequence: missense variant.
Genome position (GRCh38, 1-based): chr11:57,600,066, C>G. VCF-style: chr11-57600066-C-G. GRCh37 (hg19) VCF-style: chr11-57367539-C-G.
Other names: c.239C>G, p.Ala80Gly (NM_001032295.2); short protein forms A80G.
Identifiers: ClinVar variation 690352 (VCV000690352.2), dbSNP rs774944411, ClinGen allele CA380694923.
Genomic context (GRCh38, chr11:57,600,066, plus strand): 5'-TGGAGGTTTCCAGCTTGCCGACAACCAACTCAACAACCAATTCAGCCACCAAAATAACAG[C>G]TAATACCACTGATGAACCCACCACACAACCCACCACAGAGCCCACCACCCAACCCACCAT-3'
Protein context (NP_000053.2, residues 70-90): STTNSATKIT[Ala80Gly]NTTDEPTTQP